The following is an entry in ClinVar:

ClinVar aggregate classification (germline): Likely benign. Review status: criteria provided, multiple submitters, no conflicts (2 of 4 stars). 2 submissions from 2 submitters: Likely benign (2). Last evaluated 2023-10-01.

Conditions:
Early-onset Lafora body disease. Also called: Epilepsy, progressive myoclonic, 10. Identifiers: Orphanet 324290, MedGen C4225258, MONDO:0014717, OMIM 616640.

gnomAD v4.1: 8 of 1,555,362 alleles (0.00051%); highest among the groups gnomAD compares: Non-Finnish European, 0.00069%; no homozygotes.

Submissions (2):

CeGaT Center for Human Genetics Tuebingen
Classification: Likely benign. Last evaluated: 2023-10-01. Review status: criteria provided, single submitter. Criteria: CeGaT Center For Human Genetics Tuebingen Variant Classification Criteria Version 2. Collection method: clinical testing. Allele origin: germline. Affected: yes. Observed: 1 variant allele.
Comment: PRDM8: PM2:Supporting, BP4, BP7

Labcorp Genetics (formerly Invitae), Labcorp
Classification: Likely benign for Early-onset Lafora body disease. Last evaluated: 2022-08-22. Review status: criteria provided, single submitter. Criteria: Invitae Variant Classification Sherloc (09022015). Collection method: clinical testing. Allele origin: germline.

NM_001099403.2(PRDM8):c.1767T>C (p.Ala589=)

Gene: PRDM8 (PR/SET domain 8; plus strand). Cytogenetic location: 4q21.21.
Variant type: single nucleotide variant.
Coding change: c.1767T>C on transcript NM_001099403.2 (MANE Select); coding-DNA position 1767, T replaced by C.
Protein change: p.Ala589=; no amino-acid change (alanine 589 retained).
Molecular consequence: synonymous variant.
Genome position (GRCh38, 1-based): chr4:80,203,229, T>C. VCF-style: chr4-80203229-T-C. GRCh37 (hg19) VCF-style: chr4-81124383-T-C.
Other names: c.1767T>C, p.Ala589= (NM_020226.4).
Identifiers: ClinVar variation 1091583 (VCV001091583.34), dbSNP rs773515375, ClinGen allele CA440227451.